The following is an entry in ClinVar:

NM_004092.4(ECHS1):c.88+8C>T

Genes: ECHS1 (enoyl-CoA hydratase, short chain 1; minus strand), LOC130005023 (ATAC-STARR-seq lymphoblastoid silent region 2977; plus strand). Cytogenetic location: 10q26.3.
Variant type: single nucleotide variant.
Coding change: c.88+8C>T on transcript NM_004092.4 (MANE Select); 8 bases into the intron after coding-DNA position 88, C replaced by T.
Molecular consequence: intron variant.
Genome position (GRCh38, 1-based): chr10:133,373,238, G>A on the plus strand (C>T on the coding strand, the complement: ECHS1 is on the minus strand). VCF-style: chr10-133373238-G-A. GRCh37 (hg19) VCF-style: chr10-135186742-G-A.
Identifiers: ClinVar variation 756588 (VCV000756588.5), dbSNP rs1424112945, ClinGen allele CA596744658.

ClinVar aggregate classification (germline): Likely benign. Review status: criteria provided, single submitter (1 of 4 stars). 2 submissions from 2 submitters: Likely benign (1). 1 of the submissions does not count toward it. Last evaluated 2018-07-10.

Conditions:
ECHS1-related disorder. Also called: ECHS1-related condition.

gnomAD v4.1: 7 of 1,424,262 alleles (0.00049%); highest among the groups gnomAD compares: Middle Eastern, 0.019%; no homozygotes.

Submissions (2):

Labcorp Genetics (formerly Invitae), Labcorp
Classification: Likely benign. Last evaluated: 2018-07-10. Review status: criteria provided, single submitter. Criteria: Invitae Variant Classification Sherloc (09022015). Collection method: clinical testing. Allele origin: germline.

PreventionGenetics, part of Exact Sciences
Classification: Likely benign for ECHS1-related condition. Last evaluated: 2020-03-23. Review status: no assertion criteria provided. Collection method: clinical testing. Allele origin: germline. Not counted in ClinVar's aggregate classification.
Comment: This variant is classified as likely benign based on ACMG/AMP sequence variant interpretation guidelines (Richards et al. 2015 PMID: 25741868, with internal and published modifications).